The following is an entry in ClinVar:

ClinVar aggregate classification (germline): Pathogenic. Review status: criteria provided, multiple submitters, no conflicts (2 of 4 stars). 6 submissions from 6 submitters: Pathogenic (6). Last evaluated 2025-12-22.

Conditions:
Cardiovascular phenotype. Identifiers: MedGen CN230736.
Hypertrophic cardiomyopathy 4. Also called: Familial hypertrophic cardiomyopathy 4. Identifiers: MedGen C1861862, MONDO:0007268, OMIM 115197.
Hypertrophic cardiomyopathy. Also called: HYPERTROPHIC MYOCARDIOPATHY. Identifiers: Orphanet 217569, MedGen C0007194, MeSH D002312, MONDO:0005045, HP:0001639.

Allele frequency attached by ClinVar (database versions not stated): TOPMed below 0.00001.

Submissions (6):

Labcorp Genetics (formerly Invitae), Labcorp
Classification: Pathogenic for Hypertrophic cardiomyopathy. Last evaluated: 2025-12-22. Review status: criteria provided, single submitter. Criteria: Invitae Variant Classification Sherloc (09022015). Collection method: clinical testing. Allele origin: germline.
Comment: This sequence change creates a premature translational stop signal (p.Trp916*) in the MYBPC3 gene. It is expected to result in an absent or disrupted protein product. Loss-of-function variants in MYBPC3 are known to be pathogenic (PMID: 19574547). This variant is not present in population databases (gnomAD no frequency). This premature translational stop signal has been observed in individual(s) with hypertrophic cardiomyopathy (PMID: 25611685, 27532257, 29030401). ClinVar contains an entry for this variant (Variation ID: 177835). For these reasons, this variant has been classified as Pathogenic.

Mayo Clinic Laboratories, Mayo Clinic
Classification: Pathogenic. Last evaluated: 2025-10-06. Review status: criteria provided, single submitter. Criteria: ACMG Guidelines, 2015. Collection method: clinical testing. Allele origin: germline. Observed: 1 variant allele.
Comment: PP1, PM2_supporting, PS4_supporting, PVS1

GeneDx
Classification: Pathogenic. Last evaluated: 2023-04-04. Review status: criteria provided, single submitter. Criteria: GeneDx Variant Classification Process June 2021. Collection method: clinical testing. Allele origin: germline. Affected: yes.
Comment: Identified in individuals with HCM referred for genetic testing at GeneDx and at least one individual with HCM in published literature, and shown to segregate with disease in four affected relatives in addition to the proband by another clinical laboratory (Alfares et al., 2015; Walsh et al., 2017; Cirino et al., 2017; Christensen et al., 2018; ClinVar SCV000204139.4; ClinVar); Not observed in large population cohorts (gnomAD); Nonsense variant predicted to result in protein truncation or nonsense mediated decay in a gene for which loss-of-function is a known mechanism of disease; This variant is associated with the following publications: (PMID: 27532257, 29565423, 29030401, 25611685)

Ambry Genetics
Classification: Pathogenic for Cardiovascular phenotype. Last evaluated: 2022-03-07. Review status: criteria provided, single submitter. Criteria: Ambry Variant Classification Scheme 2023. Collection method: clinical testing. Allele origin: germline.
Comment: The p.W916* pathogenic mutation (also known as c.2747G>A), located in coding exon 27 of the MYBPC3 gene, results from a G to A substitution at nucleotide position 2747. This changes the amino acid from a tryptophan to a stop codon within coding exon 27. This variant has been detected in individuals from hypertrophic cardiomyopathy cohorts (Walsh R et al. Genet Med, 2017 02;19:192-203; Christensen KD et al. Genet Med, 2018 12;20:1544-1553). This variant is considered to be rare based on population cohorts in the Genome Aggregation Database (gnomAD). In addition to the clinical data presented in the literature, this alteration is expected to result in loss of function by premature protein truncation or nonsense-mediated mRNA decay. As such, this alteration is interpreted as a disease-causing mutation.

Laboratory for Molecular Medicine, Mass General Brigham Personalized Medicine
Classification: Pathogenic for Hypertrophic cardiomyopathy. Last evaluated: 2014-11-14. Review status: criteria provided, single submitter. Criteria: LMM Criteria. Collection method: clinical testing. Allele origin: germline. Inheritance: Autosomal dominant inheritance. Observed: 6 variant alleles.
Comment: Data from large population studies are insufficien t to assess the frequency of this variant. This nonsense variant leads to a prem ature termination codon at position 916, which is predicted to lead to a truncat ed or absent protein. Heterozygous loss-of-function of the MYBPC3 gene is an est ablished disease mechanism in individuals with HCM. In summary, this variant mee ts our criteria to be classified as pathogenic for HCM in an autosomal dominant manner based upon the predicted impact to the protein.

Clinical Genetics Service, Universitary Hospital 12 de Octubre
Classification: Pathogenic for Hypertrophic cardiomyopathy 4. Review status: criteria provided, single submitter. Criteria: ACMG Guidelines, 2015. Collection method: clinical testing. Allele origin: germline. Affected: yes.

Literature cited by the submitters: PubMed 19574547 (cited by Labcorp Genetics (formerly Invitae), Labcorp); PubMed 25611685 (cited by Labcorp Genetics (formerly Invitae), Labcorp and Mayo Clinic Laboratories, Mayo Clinic); PubMed 27532257 (cited by 3 submitters); PubMed 29030401 (cited by 3 submitters); PubMed 29565423 (cited by Mayo Clinic Laboratories, Mayo Clinic and Ambry Genetics); PubMed 37652022 (cited by Mayo Clinic Laboratories, Mayo Clinic); PubMed 39472908 (cited by Mayo Clinic Laboratories, Mayo Clinic).

NM_000256.3(MYBPC3):c.2747G>A (p.Trp916Ter)

Gene: MYBPC3 (myosin binding protein C3; minus strand). Cytogenetic location: 11p11.2.
Variant type: single nucleotide variant.
Coding change: c.2747G>A on transcript NM_000256.3 (MANE Select); coding-DNA position 2747, G replaced by A.
Protein change: p.Trp916Ter; replaces tryptophan 916 with a stop codon.
Molecular consequence: nonsense.
Genome position (GRCh38, 1-based): chr11:47,335,200, C>T on the plus strand (G>A on the coding strand, the complement: MYBPC3 is on the minus strand). VCF-style: chr11-47335200-C-T. GRCh37 (hg19) VCF-style: chr11-47356751-C-T.
Other names: p.Trp916*; short protein forms W916*.
Identifiers: ClinVar variation 177835 (VCV000177835.19), dbSNP rs727504349, ClinGen allele CA012934.